The following is an entry in ClinVar:

ClinVar aggregate classification (germline): Conflicting classifications of pathogenicity. Review status: criteria provided, conflicting classifications (1 of 4 stars). 4 submissions from 4 submitters: Uncertain significance (3); Likely benign (1). Last evaluated 2025-12-26.

Conditions:
X-linked intellectual disability, Cantagrel type (XLID98). Also called: INTELLECTUAL DEVELOPMENTAL DISORDER, X-LINKED 98. Identifiers: Orphanet 85277, MedGen C3806730, MONDO:0010483, OMIM 300912.

Allele frequency attached by ClinVar (database versions not stated): TOPMed below 0.00001.

Submissions (4):

GeneDx
Classification: Uncertain significance. Last evaluated: 2025-12-26. Review status: criteria provided, single submitter. Criteria: GeneDx Variant Classification Process June 2021. Collection method: clinical testing. Allele origin: germline.
Comment: Has not been previously published as pathogenic or benign to our knowledge; Not observed at significant frequency in large population cohorts (gnomAD); In silico analysis suggests that this missense variant does not alter protein structure/function

3billion
Classification: Likely benign for X-linked intellectual disability, Cantagrel type. Last evaluated: 2024-09-20. Review status: criteria provided, single submitter. Criteria: ACMG Guidelines, 2015. Collection method: clinical testing. Allele origin: germline. Affected: no.
Comment: The hemizygous variant was found in patients diagnosed with another variant in a different gene, with no symptoms related to the gene containing the hemizygous variant.

Labcorp Genetics (formerly Invitae), Labcorp
Classification: Uncertain significance. Last evaluated: 2020-01-31. Review status: criteria provided, single submitter. Criteria: Invitae Variant Classification Sherloc (09022015). Collection method: clinical testing. Allele origin: germline.
Comment: In summary, the available evidence is currently insufficient to determine the role of this variant in disease. Therefore, it has been classified as a Variant of Uncertain Significance. Algorithms developed to predict the effect of missense changes on protein structure and function (SIFT, PolyPhen-2, Align-GVGD) all suggest that this variant is likely to be disruptive, but these predictions have not been confirmed by published functional studies and their clinical significance is uncertain. This variant has not been reported in the literature in individuals with NEXMIF-related conditions. ClinVar contains an entry for this variant (Variation ID: 590102). This variant is not present in population databases (ExAC no frequency). This sequence change replaces glutamic acid with aspartic acid at codon 1042 of the NEXMIF protein (p.Glu1042Asp). The glutamic acid residue is highly conserved and there is a small physicochemical difference between glutamic acid and aspartic acid.

Ambry Genetics
Classification: Uncertain significance. Last evaluated: 2017-03-26. Review status: criteria provided, single submitter. Criteria: Ambry Variant Classification Scheme 2023. Collection method: clinical testing. Allele origin: germline.
Comment: The p.E1042D variant (also known as c.3126G>C), located in coding exon 2 of the KIAA2022 gene, results from a G to C substitution at nucleotide position 3126. The glutamic acid at codon 1042 is replaced by aspartic acid, an amino acid with highly similar properties. This amino acid position is well conserved in available vertebrate species. In addition, this alteration is predicted to be tolerated by in silico analysis. Since supporting evidence is limited at this time, the clinical significance of this alteration remains unclear.

NM_001008537.3(NEXMIF):c.3126G>C (p.Glu1042Asp)

Gene: NEXMIF (neurite extension and migration factor; minus strand). Cytogenetic location: Xq13.3.
Variant type: single nucleotide variant.
Coding change: c.3126G>C on transcript NM_001008537.3 (MANE Select); coding-DNA position 3126, G replaced by C.
Protein change: p.Glu1042Asp; replaces glutamic acid 1042 with aspartic acid.
Molecular consequence: missense variant.
Genome position (GRCh38, 1-based): chrX:74,741,431, C>G on the plus strand (G>C on the coding strand, the complement: NEXMIF is on the minus strand). VCF-style: chrX-74741431-C-G. GRCh37 (hg19) VCF-style: chrX-73961266-C-G.
Other names: c.3126G>C (NM_001008537.1); short protein forms E1042D.
Identifiers: ClinVar variation 590102 (VCV000590102.55), dbSNP rs1569335193, ClinGen allele CA413666653.